The following is an entry in ClinVar:

ClinVar aggregate classification (germline): Benign. Review status: criteria provided, multiple submitters, no conflicts (2 of 4 stars). 3 submissions from 2 submitters: Benign (3). Last evaluated 2021-08-19.

Conditions:
Merosin deficient congenital muscular dystrophy (MDC1A). Also called: Congenital Muscular Dystrophy Type 1A (MDC1A); Congenital merosin-deficient muscular dystrophy 1A. Identifiers: Orphanet 258, MedGen C1263858, MONDO:0011925, OMIM 607855.
Muscular dystrophy, limb-girdle, autosomal recessive 23. Identifiers: Orphanet 565837, MedGen C4748327, MONDO:0029136, OMIM 618138.

Allele frequency attached by ClinVar (database versions not stated): ESP Exome Variant Server 0.00684; gnomAD exomes 0.46249 and 0.48555; ExAC 0.48795; gnomAD 0.50019 and 0.50142; TOPMed 0.50898; 1000 Genomes Project 30x 0.54029; 1000 Genomes Project 0.54073.
gnomAD v4.1: 745,839 of 1,598,590 alleles (47%); highest among the groups gnomAD compares: African/African-American, 62%; 177,308 homozygotes.

Submissions (4):

Genome-Nilou Lab
Classification: Benign for Merosin deficient congenital muscular dystrophy. Last evaluated: 2021-08-19. Review status: criteria provided, single submitter. Criteria: ACMG Guidelines, 2015. Collection method: clinical testing. Allele origin: germline. Affected: no.

Genome-Nilou Lab
Classification: Benign for Muscular dystrophy, limb-girdle, autosomal recessive 23. Last evaluated: 2021-08-19. Review status: criteria provided, single submitter. Criteria: ACMG Guidelines, 2015. Collection method: clinical testing. Allele origin: germline. Affected: no.

GeneDx
Classification: Benign. Last evaluated: 2018-06-18. Review status: criteria provided, single submitter. Criteria: GeneDx Variant Classification (06012015). Collection method: clinical testing. Allele origin: germline. Affected: yes.
Comment: This variant is considered likely benign or benign based on one or more of the following criteria: it is a conservative change, it occurs at a poorly conserved position in the protein, it is predicted to be benign by multiple in silico algorithms, and/or has population frequency not consistent with disease.

Dr. Peter K. Rogan Lab, Western University
No classification provided (evidence only). Condition: Familial cancer of breast. Review status: no classification provided. Collection method: in vitro. Allele origin: not applicable. Functional consequence: retained intron. Not counted in ClinVar's aggregate classification.

NM_000426.4(LAMA2):c.5727-21T>G

Gene: LAMA2 (laminin subunit alpha 2; plus strand). Cytogenetic location: 6q22.33.
Variant type: single nucleotide variant.
Coding change: c.5727-21T>G on transcript NM_000426.4 (MANE Select); 21 bases into the intron before coding-DNA position 5727, T replaced by G.
Molecular consequence: intron variant.
Genome position (GRCh38, 1-based): chr6:129,403,800, T>G. VCF-style: chr6-129403800-T-G. GRCh37 (hg19) VCF-style: chr6-129724945-T-G.
Other names: NC_000006.11:g.129724945T>G; c.5727-21T>G (NM_001079823.2).
Identifiers: ClinVar variation 682931 (VCV000682931.4), dbSNP rs76902576, ClinGen allele CA3993971.